The following is an entry in ClinVar:

ClinVar aggregate classification (germline): Uncertain significance (1 of 4 stars; one submission).

Conditions:
Klippel-Feil syndrome 1, autosomal dominant (KFS1). Also called: CERVICAL VERTEBRAL FUSION, AUTOSOMAL DOMINANT. Identifiers: Orphanet 2345, MedGen C1861689, MONDO:0007306, OMIM 118100.
Isolated microphthalmia 4. Identifiers: Orphanet 2542, MedGen C2751307, MONDO:0013130, OMIM 613094.
Leber congenital amaurosis 17 (LCA17). Identifiers: Orphanet 65, MedGen C3715164, MONDO:0014145, OMIM 615360.
Microphthalmia, isolated, with coloboma 6 (MCOPCB6). Also called: Microphthalmia with coloboma 6, digenic; Microphthalmia with coloboma 6; MICROPHTHALMIA/COLOBOMA 6. Identifiers: Orphanet 98938, MedGen C3150968, MONDO:0013376, OMIM 613703.

Submission:

Labcorp Genetics (formerly Invitae), Labcorp
Classification: Uncertain significance for Isolated microphthalmia 4; Leber congenital amaurosis 17; Klippel-Feil syndrome 1, autosomal dominant; Microphthalmia, isolated, with coloboma 6. Last evaluated: 2024-02-11. Review status: criteria provided, single submitter. Criteria: Invitae Variant Classification Sherloc (09022015). Collection method: clinical testing. Allele origin: germline.
Comment: This sequence change replaces valine, which is neutral and non-polar, with leucine, which is neutral and non-polar, at codon 162 of the GDF6 protein (p.Val162Leu). This variant is not present in population databases (gnomAD no frequency). This variant has not been reported in the literature in individuals affected with GDF6-related conditions. Advanced modeling of protein sequence and biophysical properties (such as structural, functional, and spatial information, amino acid conservation, physicochemical variation, residue mobility, and thermodynamic stability) performed at Invitae indicates that this missense variant is not expected to disrupt GDF6 protein function with a negative predictive value of 80%. In summary, the available evidence is currently insufficient to determine the role of this variant in disease. Therefore, it has been classified as a Variant of Uncertain Significance.

NM_001001557.4(GDF6):c.484G>C (p.Val162Leu)

Gene: GDF6 (growth differentiation factor 6; minus strand). Cytogenetic location: 8q22.1.
Variant type: single nucleotide variant.
Coding change: c.484G>C on transcript NM_001001557.4 (MANE Select); coding-DNA position 484, G replaced by C.
Protein change: p.Val162Leu; replaces valine 162 with leucine.
Molecular consequence: missense variant.
Genome position (GRCh38, 1-based): chr8:96,145,447, C>G on the plus strand (G>C on the coding strand, the complement: GDF6 is on the minus strand). VCF-style: chr8-96145447-C-G. GRCh37 (hg19) VCF-style: chr8-97157675-C-G.
Other names: short protein forms V162L.
Identifiers: ClinVar variation 3748374 (VCV003748374.2).